The following is an entry in ClinVar:

ClinVar aggregate classification (germline): Pathogenic. Review status: criteria provided, multiple submitters, no conflicts (2 of 4 stars). 5 submissions from 5 submitters: Pathogenic (4). 1 of the submissions does not count toward it. Last evaluated 2025-08-04.

Conditions:
Tuberous sclerosis syndrome (TSC). Also called: Tuberous Sclerosis Complex; Tuberous sclerosis. Identifiers: Orphanet 805, MedGen C0041341, MONDO:0001734.
Tuberous sclerosis 2 (TSC2). Identifiers: Orphanet 805, MedGen C1860707, MONDO:0013199, OMIM 613254.

Submissions (5):

Mayo Clinic Laboratories, Mayo Clinic
Classification: Pathogenic. Last evaluated: 2025-08-04. Review status: criteria provided, single submitter. Criteria: ACMG Guidelines, 2015. Collection method: clinical testing. Allele origin: germline. Observed: 1 variant allele.
Comment: PP4, PM2_supporting, PM6, PS4_moderate, PVS1_strong

Labcorp Genetics (formerly Invitae), Labcorp
Classification: Pathogenic for Tuberous sclerosis 2. Last evaluated: 2024-09-22. Review status: criteria provided, single submitter. Criteria: Invitae Variant Classification Sherloc (09022015). Collection method: clinical testing. Allele origin: germline.
Comment: This sequence change creates a premature translational stop signal (p.Trp1740*) in the TSC2 gene. While this is not anticipated to result in nonsense mediated decay, it is expected to disrupt the last 68 amino acid(s) of the TSC2 protein. This variant is not present in population databases (gnomAD no frequency). This premature translational stop signal has been observed in individual(s) with tuberous sclerosis complex (PMID: 12136241, 25782670). ClinVar contains an entry for this variant (Variation ID: 49363). This variant disrupts a region of the TSC2 protein in which other variant(s) (p.1784Alafs*, p.Phe1803Leufs*42) have been determined to be pathogenic (PMID: 9328481, 10205261, 24789117). This suggests that this is a clinically significant region of the protein, and that variants that disrupt it are likely to be disease-causing. For these reasons, this variant has been classified as Pathogenic.

Genome-Nilou Lab
Classification: Pathogenic for Tuberous sclerosis 2. Last evaluated: 2021-11-07. Review status: criteria provided, single submitter. Criteria: ACMG Guidelines, 2015. Collection method: clinical testing. Allele origin: germline. Affected: no.

GeneDx
Classification: Pathogenic. Last evaluated: 2017-05-25. Review status: criteria provided, single submitter. Criteria: GeneDx Variant Classification (06012015). Collection method: clinical testing. Allele origin: germline. Affected: yes.
Comment: The W1740X nonsense variant in the TSC2 gene has been reported previously as a de novo change in an individual with TSC (Roberts et al., 2002; TSC2 LOVD). This pathogenic variant is predicted to cause loss of normal protein function through protein truncation as the last 68 amino acids of the TSC2 protein are lost. The W1740X variant is not observed in large population cohorts (Lek et al., 2016; 1000 Genomes Consortium et al., 2015; Exome Variant Server).

Tuberous sclerosis database (TSC2)
No classification provided. Condition: TSC. Review status: no classification provided. Criteria: Tuberous Sclerosis Database Assertion Criteria 2015. Collection method: curation. Allele origin: germline. Affected: yes. Not counted in ClinVar's aggregate classification.

Literature cited by the submitters: PubMed 12136241 (cited by Mayo Clinic Laboratories, Mayo Clinic and Labcorp Genetics (formerly Invitae), Labcorp); PubMed 25782670 (cited by Mayo Clinic Laboratories, Mayo Clinic and Labcorp Genetics (formerly Invitae), Labcorp); PubMed 32211034 (cited by Mayo Clinic Laboratories, Mayo Clinic); PubMed 39596632 (cited by Mayo Clinic Laboratories, Mayo Clinic); PubMed 9328481 (cited by Labcorp Genetics (formerly Invitae), Labcorp); PubMed 10205261 (cited by Labcorp Genetics (formerly Invitae), Labcorp); PubMed 24789117 (cited by Labcorp Genetics (formerly Invitae), Labcorp).

NM_000548.5(TSC2):c.5220G>A (p.Trp1740Ter)

Gene: TSC2 (TSC complex subunit 2; plus strand). Cytogenetic location: 16p13.3.
Variant type: single nucleotide variant.
Coding change: c.5220G>A on transcript NM_000548.5 (MANE Select); coding-DNA position 5220, G replaced by A.
Protein change: p.Trp1740Ter; replaces tryptophan 1740 with a stop codon.
Molecular consequence: nonsense.
Genome position (GRCh38, 1-based): chr16:2,088,286, G>A. VCF-style: chr16-2088286-G-A. GRCh37 (hg19) VCF-style: chr16-2138287-G-A.
Other names: p.Trp1740*; c.5019G>A, p.Trp1673Ter (NM_001077183.3); c.5151G>A, p.Trp1717Ter (NM_001114382.3); c.4911G>A, p.Trp1637Ter (NM_001318827.2); c.4875G>A, p.Trp1625Ter (NM_001318829.2); c.4488G>A, p.Trp1496Ter (NM_001318831.2); c.5052G>A, p.Trp1684Ter (NM_001318832.2); c.5022G>A, p.Trp1674Ter (NM_001363528.2); and 3 more; short protein forms W1740*, W1684*, W1693*, W1717*, W1625*, W1637*, W1697*, W1496*.
Identifiers: ClinVar variation 49363 (VCV000049363.14), dbSNP rs45517411, ClinGen allele CA022177.